The following is an entry in ClinVar:

NM_024817.3(THSD4):c.1902dup (p.Lys635fs)

Gene: THSD4 (thrombospondin type 1 domain containing 4; plus strand). Cytogenetic location: 15q23.
Variant type: Duplication.
Coding change: c.1902dup on transcript NM_024817.3 (MANE Select); coding-DNA position 1902, one base duplicated (G; older notation c.1902dupG).
Protein change: p.Lys635fs; shifts the reading frame from lysine 635.
Molecular consequence: frameshift variant.
Genome position (GRCh38, 1-based): chr15:71,738,003, G duplicated; the last of 3 consecutive G bases (chr15:71,738,001-71,738,003); duplicating any one gives the same sequence. VCF-style (leftmost placement, unchanged base first): chr15-71738000-T-TG. GRCh37 (hg19) VCF-style: chr15-72030339-T-TG.
Other names: c.822dup, p.Lys275fs (NM_001286429.2); c.1902dup, p.Lys635fs (NM_001394532.1); c.1902dupG (NM_024817.3); short protein forms K275fs, K635fs.
Identifiers: ClinVar variation 3236720 (VCV003236720.2).
Genomic context (GRCh38, chr15:71,738,000, plus strand): 5'-ACGGCGCAGCCGGGATCACAACTGGAAGCAGCTTGGGACAACAGAATGTTCCACGACCTG[T>TG]GGGAAAGGTGAGCCTGTGTGGGGGACGGGTGGATCCCTGCAGAACCCTAAGCAAGGAGTG-3'

ClinVar aggregate classification (germline): Likely pathogenic (1 of 4 stars; one submission).

Conditions:
Aortic aneurysm, familial thoracic 12. Identifiers: MedGen C5676959, MONDO:0030731, OMIM 619825.

Submission:

Centre of Medical Genetics, University of Antwerp
Classification: Likely pathogenic for Aortic aneurysm, familial thoracic 12. Last evaluated: 2024-05-21. Review status: criteria provided, single submitter. Criteria: ACMG Guidelines, 2015. Collection method: clinical testing. Allele origin: unknown. Affected: yes.
Comment: PVS1, PM2